The following is an entry in ClinVar:

ClinVar aggregate classification (germline): Uncertain significance (1 of 4 stars; one submission).

Conditions:
Developmental and epileptic encephalopathy, 31A. Also called: Developmental and epileptic encephalopathy, 31; Epileptic encephalopathy, early infantile, 31. Identifiers: Orphanet 2382, MedGen C4225357, MONDO:0014598, OMIM 616346.

Allele frequency attached by ClinVar (database versions not stated): gnomAD exomes below 0.00001 and 0.00001.
gnomAD v4.1: 4 of 1,613,682 alleles (0.00025%); highest among the groups gnomAD compares: South Asian, 0.0033%; no homozygotes.

Submission:

Neuberg Centre For Genomic Medicine, NCGM
Classification: Uncertain significance for Developmental and epileptic encephalopathy, 31A. Review status: criteria provided, single submitter. Criteria: ACMG Guidelines, 2015. Collection method: clinical testing. Allele origin: germline. Affected: yes.
Comment: The missense variant p.E95G in DNM1 (NM_004408.4) has not been reported previously as a pathogenic variant nor as a benign variant, to our knowledge. There is a moderate physicochemical difference between glutamic acid and glycine. The p.E95G missense variant is predicted to be damaging by both SIFT and PolyPhen2. The nucleotide c.284 in DNM1 is predicted conserved by GERP++ and PhyloP across 100 vertebrates. For these reasons, this variant has been classified as Uncertain Significance.

NM_004408.4(DNM1):c.284A>G (p.Glu95Gly)

Genes: DNM1 (dynamin 1; plus strand), LOC113839516 (Sharpr-MPRA regulatory region 8497; plus strand). Cytogenetic location: 9q34.11.
Variant type: single nucleotide variant.
Coding change: c.284A>G on transcript NM_004408.4 (MANE Select); coding-DNA position 284, A replaced by G.
Protein change: p.Glu95Gly; replaces glutamic acid 95 with glycine.
Molecular consequence: missense variant.
Genome position (GRCh38, 1-based): chr9:128,218,630, A>G. VCF-style: chr9-128218630-A-G. GRCh37 (hg19) VCF-style: chr9-130980909-A-G.
Other names: c.284A>G, p.Glu95Gly (NM_001005336.3, NM_001288737.2, NM_001288738.2 and 2 more transcripts); short protein forms E95G.
Identifiers: ClinVar variation 1339244 (VCV001339244.2), dbSNP rs1316212573, ClinGen allele CA375010589.
Genomic context (GRCh38, chr9:128,218,630, plus strand): 5'-CTTCTGGAGCAGAATATGCCGAGTTCCTGCACTGCAAGGGAAAGAAATTCACCGACTTCG[A>G]GGAGGTGCGCCTTGAGATCGAGGCCGAGACCGACAGGGTCACCGGCACCAACAAGGGCAT-3'
Protein context (NP_004399.2, residues 85-105): HCKGKKFTDF[Glu95Gly]EVRLEIEAET